The following is an entry in ClinVar:

ClinVar aggregate classification (germline): Conflicting classifications of pathogenicity. Review status: criteria provided, conflicting classifications (1 of 4 stars). 11 submissions from 9 submitters: Uncertain significance (5); Likely benign (2). 4 of the submissions do not count toward it. Last evaluated 2025-06-12.

Conditions:
Retinal dystrophy. Also called: Inherited retinal dystrophy. Identifiers: Orphanet 71862, MedGen C0854723, MeSH D058499, MONDO:0019118, HP:0000556.
Cone-rod dystrophy 16 (CORD16). Identifiers: MedGen C3281045, MONDO:0013786, OMIM 614500.
CFAP418-related disorder. Also called: CFAP418-related condition.
Retinitis pigmentosa (RP). Identifiers: Orphanet 791, MedGen C0035334, MeSH D012174, MONDO:0019200, OMIM 268000. Inheritance: Autosomal dominant, autosomal recessive and X linked inheritance.

Allele frequency attached by ClinVar (database versions not stated): TOPMed 0.00018; gnomAD exomes 0.00040 and 0.00059; gnomAD 0.00046 and 0.00048; ExAC 0.00064.
gnomAD v4.1: 640 of 1,585,866 alleles (0.04%); highest among the groups gnomAD compares: East Asian, 0.44%; 2 homozygotes.

Submissions (11):

Labcorp Genetics (formerly Invitae), Labcorp
Classification: Likely benign. Last evaluated: 2025-06-12. Review status: criteria provided, single submitter. Criteria: Invitae Variant Classification Sherloc (09022015). Collection method: clinical testing. Allele origin: germline.

Blueprint Genetics
Classification: Likely benign. Last evaluated: 2024-11-19. Review status: criteria provided, single submitter. Criteria: ACMG Guidelines, 2015. Collection method: clinical testing. Allele origin: germline.

Dept Of Ophthalmology, Nagoya University
Classification: Uncertain significance for Retinal dystrophy. Last evaluated: 2023-10-01. Review status: criteria provided, single submitter. Criteria: Submitter's publication. Collection method: research. Allele origin: germline. Affected: yes.

CeGaT Center for Human Genetics Tuebingen
Classification: Uncertain significance. Last evaluated: 2023-08-01. Review status: criteria provided, single submitter. Criteria: CeGaT Center For Human Genetics Tuebingen Variant Classification Criteria Version 2. Collection method: clinical testing. Allele origin: germline. Affected: yes. Observed: 1 variant allele.
Comment: CFAP418: PM2, BP4

Illumina Laboratory Services, Illumina
Classification: Uncertain significance for Cone-rod dystrophy 16. Last evaluated: 2018-01-12. Review status: criteria provided, single submitter. Criteria: ICSL Variant Classification Criteria 13 December 2019. Collection method: clinical testing. Allele origin: germline.

Illumina Laboratory Services, Illumina
Classification: Uncertain significance for Retinitis pigmentosa. Last evaluated: 2018-01-12. Review status: criteria provided, single submitter. Criteria: ICSL Variant Classification Criteria 13 December 2019. Collection method: clinical testing. Allele origin: germline.

Clinical Genetics DNA and cytogenetics Diagnostics Lab, Erasmus MC, Erasmus Medical Center
Classification: Uncertain significance for Cone-rod dystrophy 16. Last evaluated: 2017-06-23. Review status: criteria provided, single submitter. Criteria: ACGS Guidelines, 2013. Collection method: clinical testing. Allele origin: germline. Affected: yes. Study: VKGL Data-share Consensus.

PreventionGenetics, part of Exact Sciences
Classification: Likely benign for CFAP418-related condition. Last evaluated: 2022-03-21. Review status: no assertion criteria provided. Collection method: clinical testing. Allele origin: germline. Not counted in ClinVar's aggregate classification.
Comment: This variant is classified as likely benign based on ACMG/AMP sequence variant interpretation guidelines (Richards et al. 2015 PMID: 25741868, with internal and published modifications).

Institute of Human Genetics, Univ. Regensburg, Univ. Regensburg
Classification: Uncertain significance for Retinal dystrophy. Last evaluated: 2022-01-01. Review status: no assertion criteria provided. Criteria: ACMG Guidelines, 2015. Collection method: clinical testing. Allele origin: germline. Affected: yes. Not counted in ClinVar's aggregate classification.

Clinical Genetics DNA and cytogenetics Diagnostics Lab, Erasmus MC, Erasmus Medical Center
Classification: Uncertain significance. Review status: no assertion criteria provided. Collection method: clinical testing. Allele origin: germline. Affected: yes. Study: VKGL Data-share Consensus. Not counted in ClinVar's aggregate classification.

Clinical Genetics, Academic Medical Center
Classification: Uncertain significance. Review status: no assertion criteria provided. Collection method: clinical testing. Allele origin: germline. Affected: yes. Study: VKGL Data-share Consensus. Not counted in ClinVar's aggregate classification.

NM_177965.4(CFAP418):c.269A>G (p.Asn90Ser)

Gene: CFAP418 (cilia and flagella associated protein 418; minus strand). Cytogenetic location: 8q22.1.
Variant type: single nucleotide variant.
Coding change: c.269A>G on transcript NM_177965.4 (MANE Select); coding-DNA position 269, A replaced by G.
Protein change: p.Asn90Ser; replaces asparagine 90 with serine.
Molecular consequence: missense variant.
Genome position (GRCh38, 1-based): chr8:95,260,507, T>C on the plus strand (A>G on the coding strand, the complement: CFAP418 is on the minus strand). VCF-style: chr8-95260507-T-C. GRCh37 (hg19) VCF-style: chr8-96272735-T-C.
Other names: c.269A>G, p.Asn90Ser (NM_001363260.1); short protein forms N90S.
Identifiers: ClinVar variation 522286 (VCV000522286.42), dbSNP rs199731969, ClinGen allele CA4815197.